The following is an entry in ClinVar:

ClinVar aggregate classification (germline): Uncertain significance (1 of 4 stars; one submission).

Conditions:
Long QT syndrome (LQTS). Identifiers: MedGen C0023976, MeSH D008133, MONDO:0002442. Disease mechanism: loss of function. Inheritance: Various modes of inheritance.

gnomAD v4.1: 1 of 1,613,816 alleles (0.000062%); highest among the groups gnomAD compares: Non-Finnish European, 0.000085%; no homozygotes.

Submission:

Labcorp Genetics (formerly Invitae), Labcorp
Classification: Uncertain significance for Long QT syndrome. Last evaluated: 2025-02-26. Review status: criteria provided, single submitter. Criteria: Invitae Variant Classification Sherloc (09022015). Collection method: clinical testing. Allele origin: germline.
Comment: This sequence change replaces serine, which is neutral and polar, with arginine, which is basic and polar, at codon 20 of the ANK2 protein (p.Ser20Arg). This variant is not present in population databases (gnomAD no frequency). This variant has not been reported in the literature in individuals affected with ANK2-related conditions. An algorithm developed to predict the effect of missense changes on protein structure and function (PolyPhen-2) suggests that this variant is likely to be tolerated. In summary, the available evidence is currently insufficient to determine the role of this variant in disease. Therefore, it has been classified as a Variant of Uncertain Significance.

NM_001148.6(ANK2):c.60T>A (p.Ser20Arg)

Gene: ANK2 (ankyrin 2; plus strand). Cytogenetic location: 4q25.
Variant type: single nucleotide variant.
Coding change: c.60T>A on transcript NM_001148.6 (MANE Select); coding-DNA position 60, T replaced by A.
Protein change: p.Ser20Arg; replaces serine 20 with arginine.
Molecular consequence: missense variant. On other transcripts: intron variant (43).
Genome position (GRCh38, 1-based): chr4:113,049,788, T>A. VCF-style: chr4-113049788-T-A. GRCh37 (hg19) VCF-style: chr4-113970944-T-A.
Other names: c.60T>A, p.Ser20Arg (NM_001354225.2, NM_001354228.2, NM_001354232.2 and 10 more transcripts); c.73-124628T>A (NM_001386186.2, NM_001386148.2, NM_001354269.3 and 1 more transcripts); c.22-101292T>A (NM_001386147.1, NM_001386160.1, NM_001354261.2); c.22-124628T>A (NM_001354254.2, NM_001354239.2, NM_001354252.2 and 33 more transcripts); short protein forms S20R.
Identifiers: ClinVar variation 4809405 (VCV004809405.1).